The following is an entry in ClinVar:

ClinVar aggregate classification (germline): Conflicting classifications of pathogenicity. Review status: criteria provided, conflicting classifications (1 of 4 stars). 22 submissions from 20 submitters: Uncertain significance (1); Benign (15); Likely benign (4). 2 of the submissions do not count toward it. Last evaluated 2026-09-01.

Conditions:
Carcinoma of pancreas. Also called: Pancreatic cancer, somatic; Pancreatic carcinoma, somatic; PANCREATIC ACINAR CARCINOMA; PANCREATIC CARCINOMA; Exocrine pancreatic carcinoma. Identifiers: Orphanet 1333, Orphanet 217074, MedGen C0235974, MONDO:0005192. Disease mechanism: loss of function.
Juvenile polyposis/hereditary hemorrhagic telangiectasia syndrome (JPHT). Also called: Juvenile Polyposis Syndrome / Hereditary Hemorrhagic Telangiectasia (JPS/HHT); JP/HHT SYNDROME; JUVENILE POLYPOSIS WITH HEREDITARY HEMORRHAGIC TELANGIECTASIA; POLYPOSIS, GENERALIZED JUVENILE, WITH PULMONARY ARTERIOVENOUS MALFORMATION; TELANGIECTASIA, HEREDITARY HEMORRHAGIC, WITH JUVENILE POLYPOSIS COLI. Identifiers: Orphanet 2929, MedGen C1832942, MONDO:0008278, OMIM 175050.
Myhre syndrome (MYHRS). Also called: LARYNGOTRACHEAL STENOSIS, ARTHROPATHY, PROGNATHISM, AND SHORT STATURE; LAPS SYNDROME. Identifiers: Orphanet 2588, MedGen C0796081, MONDO:0007688, OMIM 139210.
Juvenile polyposis syndrome (JPS). Identifiers: Orphanet 2929, MedGen C0345893, MONDO:0017380, OMIM 174900.
Hereditary cancer-predisposing syndrome. Also called: Neoplastic Syndromes, Hereditary; Tumor predisposition; Hereditary neoplastic syndrome; Hereditary Cancer Syndrome. Identifiers: Orphanet 140162, MedGen C0027672, MeSH D009386, MONDO:0015356.
Familial thoracic aortic aneurysm and aortic dissection (TAAD). Also called: Thoracic aortic aneurysms and dissections. Identifiers: Orphanet 91387, MedGen C4707243, MONDO:0019625.
Generalized juvenile polyposis/juvenile polyposis coli. Also called: Juvenile polyposis coli. Identifiers: Orphanet 329971, MedGen C1868081, MONDO:0008276.

Allele frequency attached by ClinVar (database versions not stated): gnomAD exomes 0.00020 and 0.00047; ExAC 0.00055; ESP Exome Variant Server 0.00092; gnomAD 0.00205 and 0.00221; TOPMed 0.00206; 1000 Genomes Project 0.00240; 1000 Genomes Project 30x 0.00281.
gnomAD v4.1: 638 of 1,604,156 alleles (0.04%); highest among the groups gnomAD compares: African/African-American, 0.65%; 2 homozygotes.

Submissions (22):

CeGaT Center for Human Genetics Tuebingen
Classification: Likely benign. Last evaluated: 2026-09-01. Review status: criteria provided, single submitter. Criteria: CeGaT Center For Human Genetics Tuebingen Variant Classification Criteria Version 2. Collection method: clinical testing. Allele origin: germline. Affected: yes. Observed: 10 variant alleles.
Comment: SMAD4: BS1

Labcorp Genetics (formerly Invitae), Labcorp
Classification: Benign for Juvenile polyposis syndrome. Last evaluated: 2026-02-03. Review status: criteria provided, single submitter. Criteria: Invitae Variant Classification Sherloc (09022015). Collection method: clinical testing. Allele origin: germline.

Dasa
Classification: Benign. Last evaluated: 2025-12-02. Review status: criteria provided, single submitter. Criteria: DASA Assertion Criteria. Collection method: clinical testing. Allele origin: germline.
Comment: NM_005359.6(SMAD4):c.1140-10T>C is a splice-region variant. Population frequency is inconsistent with a disease-causing role for this variant, and observations in unaffected individuals support a benign interpretation. Computational prediction algorithms are consistent with a benign effect. Therefore, based on the currently available evidence, this variant is classified as benign.

Quest Diagnostics Nichols Institute San Juan Capistrano
Classification: Benign. Last evaluated: 2025-05-27. Review status: criteria provided, single submitter. Criteria: Quest Diagnostics criteria. Collection method: clinical testing. Allele origin: unknown.

Myriad Genetics, Inc.
Classification: Benign for Juvenile polyposis/hereditary hemorrhagic telangiectasia syndrome. Last evaluated: 2025-03-21. Review status: criteria provided, single submitter. Criteria: Myriad Autosomal Dominant, Autosomal Recessive and X-Linked Classification Criteria (2023). Collection method: clinical testing. Allele origin: unknown.
Comment: This variant is considered benign. This variant is intronic and is not expected to impact mRNA splicing. Homozygosity has been confirmed in one or more individuals. As homozygosity for pathogenic variants in this gene is generally assumed to result in embryonic lethality, this variant is unlikely to be pathogenic.

Institute for Biomarker Research, Medical Diagnostic Laboratories, L.L.C.
Classification: Benign for Hereditary cancer-predisposing syndrome. Last evaluated: 2025-02-06. Review status: criteria provided, single submitter. Criteria: ACMG Guidelines, 2015. Collection method: clinical testing. Allele origin: germline.
Comment: The intron variant NM_005359.6(SMAD4):c.1140-10T>C has not been reported previously as a pathogenic variant, to our knowledge. The c.1140-10T>C variant is observed in 12/5,008 (0.2396%) alleles from individuals of 1kG All background in 1kG, which is greater than expected for the disorder. The c.1140-10T>C variant is not predicted to disrupt the existing acceptor splice site 8bp upstream by any splice site algorithm. The c.1140-10T>C variant results in a substitution of a base that is not predicted conserved by GERP++ and PhyloP. For these reasons, this variant has been classified as Benign.

Blueprint Genetics
Classification: Likely benign. Last evaluated: 2024-11-05. Review status: criteria provided, single submitter. Criteria: ACMG Guidelines, 2015. Collection method: clinical testing. Allele origin: germline.

Department of Pathology and Laboratory Medicine, Sinai Health System
Classification: Likely benign for juvenile polyposis/hereditary hemorrhagic telangiectasia syndrome. Last evaluated: 2024-08-19. Review status: criteria provided, single submitter. Criteria: ACMG Guidelines, 2015. Collection method: clinical testing. Allele origin: germline.

ARUP Laboratories, Molecular Genetics and Genomics, ARUP Laboratories
Classification: Benign. Last evaluated: 2024-07-25. Review status: criteria provided, single submitter. Criteria: ARUP Molecular Germline Variant Investigation Process 2024. Collection method: clinical testing. Allele origin: germline.

Fulgent Genetics
Classification: Likely benign for Myhre syndrome; Juvenile polyposis syndrome; Juvenile polyposis/hereditary hemorrhagic telangiectasia syndrome; Familial pancreatic carcinoma. Last evaluated: 2021-08-23. Review status: criteria provided, single submitter. Criteria: ACMG Guidelines, 2015. Collection method: clinical testing. Allele origin: unknown.

Sema4
Classification: Benign for Hereditary cancer-predisposing syndrome. Last evaluated: 2021-01-23. Review status: criteria provided, single submitter. Criteria: Sema4 Curation Guidelines. Collection method: curation. Allele origin: germline.

Genetic Services Laboratory, University of Chicago
Classification: Benign. Last evaluated: 2018-08-07. Review status: criteria provided, single submitter. Criteria: ACMG Guidelines, 2015. Collection method: clinical testing. Allele origin: germline. Affected: no.

Illumina Laboratory Services, Illumina
Classification: Benign for Juvenile polyposis/hereditary hemorrhagic telangiectasia syndrome. Last evaluated: 2018-01-13. Review status: criteria provided, single submitter. Criteria: ICSL Variant Classification Criteria 13 December 2019. Collection method: clinical testing. Allele origin: germline.
Comment: This variant was observed in the ICSL laboratory as part of a predisposition screen in an ostensibly healthy population. It had not been previously curated by ICSL or reported in the Human Gene Mutation Database (HGMD: prior to June 1st, 2018), and was therefore a candidate for classification through an automated scoring system. Utilizing variant allele frequency, disease prevalence and penetrance estimates, and inheritance mode, an automated score was calculated to assess if this variant is too frequent to cause the disease. Based on the score and internal cut-off values, a variant classified as benign is not then subjected to further curation. The score for this variant resulted in a classification of benign for this disease.

Illumina Laboratory Services, Illumina
Classification: Benign for Juvenile polyposis syndrome. Last evaluated: 2018-01-13. Review status: criteria provided, single submitter. Criteria: ICSL Variant Classification Criteria 13 December 2019. Collection method: clinical testing. Allele origin: germline.
Comment: the same text as in the submission from Illumina Laboratory Services, Illumina above.

Illumina Laboratory Services, Illumina
Classification: Benign for Myhre syndrome. Last evaluated: 2018-01-13. Review status: criteria provided, single submitter. Criteria: ICSL Variant Classification Criteria 13 December 2019. Collection method: clinical testing. Allele origin: germline.
Comment: the same text as in the submission from Illumina Laboratory Services, Illumina above.

Women's Health and Genetics/Laboratory Corporation of America, LabCorp
Classification: Benign. Last evaluated: 2016-05-02. Review status: criteria provided, single submitter. Criteria: LabCorp Variant Classification Summary - May 2015. Collection method: clinical testing. Allele origin: germline.
Comment: Variant summary: The c.1140-10T>C variant affects a non-conserved intronic nucleotide. Mutation taster predicts benign outcome for this variant. 5/5 programs in Alamut predict that this variant does not affect normal splicing, however no functional studies supporting this notion were published at the time of evaluation. The variant is found in 66/120780 control chromosomes at a frequency of 0.0005464, which greatly exceeds the maximal expected frequency of a pathogenic allele (0.000002) in this gene, suggesting this variant is benign. In addition, independent clinical diagnostic laboratories classify the variant as Benign. The variant of interest has not, to our knowledge, been reported in affected individuals via publications and/or reputable databases/clinical laboratories. Based on the high prevalence of the variant in the general population, it was classified as Benign.

Color Diagnostics, LLC DBA Color Health
Classification: Benign for Hereditary cancer-predisposing syndrome. Last evaluated: 2016-03-09. Review status: criteria provided, single submitter. Criteria: ACMG Guidelines, 2015. Collection method: clinical testing. Allele origin: germline.

Ambry Genetics
Classification: Uncertain significance for Hereditary cancer-predisposing syndrome; Familial thoracic aortic aneurysm and aortic dissection. Last evaluated: 2015-05-21. Review status: criteria provided, single submitter. Criteria: Ambry Variant Classification Scheme 2023. Collection method: clinical testing. Allele origin: germline.
Comment: The c.1140-10T>C intronic variant results from a T to C substitution 10 nucleotides upstream from coding exon 9 in the SMAD4 gene. This variant was previously reported in the SNPDatabase as rs186332162. Based on data from the 1000 Genomes Project, the C allele has an overall frequency of approximately 0.1% (2/2098) total alleles studied. The highest observed frequency was 0.94% (1/106) African-American SW alleles. Based on data from the NHLBI Exome Sequencing Project (ESP), the C allele has an overall frequency of approximately 0.09% (12/13006) total alleles studied, having been observed in 0.25% (11/4406) African American alleles and 0.01% (1/8600) European American alleles. This nucleotide position is not well conserved in available vertebrate species. Using the BDGP and ESEfinder splice site prediction tools, this alteration is not predicted to have any significant effect on this acceptor/donor splice site; however, direct evidence is unavailable. Since supporting evidence is limited at this time, the clinical significance of this variant remains unclear.

PreventionGenetics, part of Exact Sciences
Classification: Benign. Last evaluated: 2014-03-14. Review status: criteria provided, single submitter. Criteria: ACMG Guidelines, 2015. Collection method: clinical testing. Allele origin: germline.

GeneDx
Classification: Benign. Last evaluated: 2014-03-04. Review status: criteria provided, single submitter. Criteria: GeneDx Variant Classification (06012015). Collection method: clinical testing. Allele origin: germline. Affected: yes.
Comment: This variant is considered likely benign or benign based on one or more of the following criteria: it is a conservative change, it occurs at a poorly conserved position in the protein, it is predicted to be benign by multiple in silico algorithms, and/or has population frequency not consistent with disease.

Clinical Genetics DNA and cytogenetics Diagnostics Lab, Erasmus MC, Erasmus Medical Center
Classification: Likely benign. Review status: no assertion criteria provided. Collection method: clinical testing. Allele origin: germline. Affected: yes. Study: VKGL Data-share Consensus. Not counted in ClinVar's aggregate classification.

Joint Genome Diagnostic Labs from Nijmegen and Maastricht, Radboudumc and MUMC+
Classification: Likely benign. Review status: no assertion criteria provided. Collection method: clinical testing. Allele origin: germline. Affected: yes. Study: VKGL Data-share Consensus. Not counted in ClinVar's aggregate classification.

NM_005359.6(SMAD4):c.1140-10T>C

Gene: SMAD4 (SMAD family member 4; plus strand). Cytogenetic location: 18q21.2.
Variant type: single nucleotide variant.
Coding change: c.1140-10T>C on transcript NM_005359.6 (MANE Select); 10 bases into the intron before coding-DNA position 1140, T replaced by C.
Molecular consequence: intron variant.
Genome position (GRCh38, 1-based): chr18:51,067,009, T>C. VCF-style: chr18-51067009-T-C. GRCh37 (hg19) VCF-style: chr18-48593379-T-C.
Identifiers: ClinVar variation 139219 (VCV000139219.65), dbSNP rs186332162, ClinGen allele CA293632.